The following is an entry in ClinVar:

NM_015443.4(KANSL1):c.2058del (p.Lys686fs)

Gene: KANSL1 (KAT8 regulatory NSL complex subunit 1). Cytogenetic location: 17q21.31.
Variant type: Deletion.
Coding change: c.2058del on transcript NM_015443.4 (MANE Select); coding-DNA position 2058, one base deleted.
Protein change: p.Lys686fs; shifts the reading frame from lysine 686.
Molecular consequence: frameshift variant.
Genome position: GRCh38 VCF-style: chr17-46039846-AT-A. GRCh37 (hg19) VCF-style: chr17-44117212-AT-A.
Other names: c.2058del, p.Lys686fs (NM_001193465.2, NM_001193466.2, NM_001379198.1); short protein forms K686fs.
Identifiers: ClinVar variation 418786 (VCV000418786.2), dbSNP rs1064793433, ClinGen allele CA16620459.

ClinVar aggregate classification (germline): Pathogenic (1 of 4 stars; one submission).

Submission:

GeneDx
Classification: Pathogenic. Last evaluated: 2015-03-24. Review status: criteria provided, single submitter. Criteria: GeneDx Variant Classification (06012015). Collection method: clinical testing. Allele origin: germline. Affected: yes.
Comment: The c.2058delA variant in the KANSL1 gene has not been reported previously as a pathogenic variant nor as a benign polymorphism, to our knowledge. The c.2058delA deletion is predicted to cause loss of normal protein function either through protein truncation or nonsense-mediated mRNA decay. The c.2058delA variant was not observed in approximately 6500 individuals of European and African American ancestry in the NHLBI Exome Sequencing Project, indicating it is not a commonbenign variant in these populations. We interpret c.2058delA as a pathogenic variant.